The following is an entry in ClinVar:

ClinVar aggregate classification (germline): Uncertain significance (1 of 4 stars; one submission).

gnomAD v4.1: 9 of 1,613,830 alleles (0.00056%); highest among the groups gnomAD compares: Middle Eastern, 0.033%; 1 homozygote.

Submission:

Mayo Clinic Laboratories, Mayo Clinic
Classification: Uncertain significance. Last evaluated: 2025-10-11. Review status: criteria provided, single submitter. Criteria: ACMG Guidelines, 2015. Collection method: clinical testing. Allele origin: germline. Observed: 1 variant allele.
Comment: BP4, PM2_supporting

NM_012123.4(MTO1):c.182G>A (p.Arg61Gln)

Gene: MTO1 (mitochondrial tRNA translation optimization 1; plus strand). Cytogenetic location: 6q13.
Variant type: single nucleotide variant.
Coding change: c.182G>A on transcript NM_012123.4 (MANE Select); coding-DNA position 182, G replaced by A.
Protein change: p.Arg61Gln; replaces arginine 61 with glutamine.
Molecular consequence: missense variant.
Genome position (GRCh38, 1-based): chr6:73,462,036, G>A. VCF-style: chr6-73462036-G-A. GRCh37 (hg19) VCF-style: chr6-74171759-G-A.
Other names: p.Arg61Gln; c.182G>A, p.Arg61Gln (NM_001123226.2, NM_133645.3); short protein forms R61Q.
Identifiers: ClinVar variation 4541180 (VCV004541180.1).